The following is an entry in ClinVar:

ClinVar aggregate classification (germline): Uncertain significance (1 of 4 stars; one submission).

Submission:

Labcorp Genetics (formerly Invitae), Labcorp
Classification: Uncertain significance. Last evaluated: 2023-09-20. Review status: criteria provided, single submitter. Criteria: Invitae Variant Classification Sherloc (09022015). Collection method: clinical testing. Allele origin: germline.
Comment: This sequence change replaces threonine, which is neutral and polar, with isoleucine, which is neutral and non-polar, at codon 401 of the COL4A1 protein (p.Thr401Ile). This variant is not present in population databases (gnomAD no frequency). This variant has not been reported in the literature in individuals affected with COL4A1-related conditions. Advanced modeling of protein sequence and biophysical properties (such as structural, functional, and spatial information, amino acid conservation, physicochemical variation, residue mobility, and thermodynamic stability) performed at Invitae indicates that this missense variant is not expected to disrupt COL4A1 protein function. In summary, the available evidence is currently insufficient to determine the role of this variant in disease. Therefore, it has been classified as a Variant of Uncertain Significance.

NM_001845.6(COL4A1):c.1202C>T (p.Thr401Ile)

Gene: COL4A1 (collagen type IV alpha 1 chain; minus strand). Cytogenetic location: 13q34.
Variant type: single nucleotide variant.
Coding change: c.1202C>T on transcript NM_001845.6 (MANE Select); coding-DNA position 1202, C replaced by T.
Protein change: p.Thr401Ile; replaces threonine 401 with isoleucine.
Molecular consequence: missense variant.
Genome position (GRCh38, 1-based): chr13:110,198,550, G>A on the plus strand (C>T on the coding strand, the complement: COL4A1 is on the minus strand). VCF-style: chr13-110198550-G-A. GRCh37 (hg19) VCF-style: chr13-110850897-G-A.
Other names: c.1202C>T, p.Thr401Ile (NM_001303110.2); short protein forms T401I.
Identifiers: ClinVar variation 2762039 (VCV002762039.3), dbSNP rs2501557671, ClinGen allele CA388724042.